The following is an entry in ClinVar:

ClinVar aggregate classification (germline): Uncertain significance. Review status: criteria provided, multiple submitters, no conflicts (2 of 4 stars). 3 submissions from 3 submitters: Uncertain significance (3). Last evaluated 2024-06-25.

Conditions:
Cleft lip/palate-ectodermal dysplasia syndrome (CLPED1). Also called: ECTODERMAL DYSPLASIA, CLEFT LIP AND PALATE, MENTAL RETARDATION, AND SYNDACTYLY; ECTODERMAL DYSPLASIA, MARGARITA ISLAND TYPE; ECTODERMAL DYSPLASIA, TYPE 4; Zlotogora syndrome; ZLOTOGORA-OGUR SYNDROME. Identifiers: Orphanet 3253, MedGen C2931488, MONDO:0009151, OMIM 225060.

Allele frequency attached by ClinVar (database versions not stated): ExAC 0.00006; gnomAD 0.00008 and 0.00009; gnomAD exomes 0.00011 and 0.00012; TOPMed 0.00012; 1000 Genomes Project 0.00020.

Submissions (3):

GeneDx
Classification: Uncertain significance. Last evaluated: 2024-06-25. Review status: criteria provided, single submitter. Criteria: GeneDx Variant Classification Process June 2021. Collection method: clinical testing. Allele origin: germline. Affected: yes.
Comment: In silico analysis indicates that this missense variant does not alter protein structure/function; Has not been previously published as pathogenic or benign to our knowledge

Labcorp Genetics (formerly Invitae), Labcorp
Classification: Uncertain significance. Last evaluated: 2022-08-08. Review status: criteria provided, single submitter. Criteria: Invitae Variant Classification Sherloc (09022015). Collection method: clinical testing. Allele origin: germline.
Comment: This sequence change replaces glycine, which is neutral and non-polar, with serine, which is neutral and polar, at codon 445 of the NECTIN1 protein (p.Gly445Ser). The frequency data for this variant in the population databases is considered unreliable, as metrics indicate poor data quality at this position in the gnomAD database. This variant has not been reported in the literature in individuals affected with NECTIN1-related conditions. ClinVar contains an entry for this variant (Variation ID: 879022). Algorithms developed to predict the effect of missense changes on protein structure and function (SIFT, PolyPhen-2, Align-GVGD) all suggest that this variant is likely to be tolerated. In summary, the available evidence is currently insufficient to determine the role of this variant in disease. Therefore, it has been classified as a Variant of Uncertain Significance.

Illumina Laboratory Services, Illumina
Classification: Uncertain significance for Cleft lip/palate-ectodermal dysplasia syndrome. Last evaluated: 2018-01-12. Review status: criteria provided, single submitter. Criteria: ICSL Variant Classification Criteria 13 December 2019. Collection method: clinical testing. Allele origin: germline.

NM_002855.5(NECTIN1):c.1333G>A (p.Gly445Ser)

Gene: NECTIN1 (nectin cell adhesion molecule 1; minus strand). Cytogenetic location: 11q23.3.
Variant type: single nucleotide variant.
Coding change: c.1333G>A on transcript NM_002855.5 (MANE Select); coding-DNA position 1333, G replaced by A.
Protein change: p.Gly445Ser; replaces glycine 445 with serine.
Molecular consequence: missense variant. On other transcripts: intron variant (1).
Genome position (GRCh38, 1-based): chr11:119,664,968, C>T on the plus strand (G>A on the coding strand, the complement: NECTIN1 is on the minus strand). VCF-style: chr11-119664968-C-T. GRCh37 (hg19) VCF-style: chr11-119535678-C-T.
Other names: c.1003+10191G>A (NM_203285.2); short protein forms G445S.
Identifiers: ClinVar variation 879022 (VCV000879022.7), dbSNP rs539461545, ClinGen allele CA6321815.